The following is an entry in ClinVar:

NM_015141.4(GPD1L):c.215C>T (p.Pro72Leu)

Gene: GPD1L (glycerol-3-phosphate dehydrogenase 1 like; plus strand). Cytogenetic location: 3p22.3.
Variant type: single nucleotide variant.
Coding change: c.215C>T on transcript NM_015141.4 (MANE Select); coding-DNA position 215, C replaced by T.
Protein change: p.Pro72Leu; replaces proline 72 with leucine.
Molecular consequence: missense variant.
Genome position (GRCh38, 1-based): chr3:32,128,243, C>T. VCF-style: chr3-32128243-C-T. GRCh37 (hg19) VCF-style: chr3-32169735-C-T.
Other names: short protein forms P72L.
Identifiers: ClinVar variation 632847 (VCV000632847.2), dbSNP rs1559573147, ClinGen allele CA351973500.
Genomic context (GRCh38, chr3:32,128,243, plus strand): 5'-TGACAGACATCATAAATAATGACCATGAAAATGTAAAATATCTTCCTGGACACAAGCTGC[C>T]AGAAAATGTGGTAAGACTTTGGGGTGAAATGTACATTGGTTCATTCTGCAAGTTGTGCTT-3'
Protein context (NP_055956.1, residues 62-82): NVKYLPGHKL[Pro72Leu]ENVVAMSNLS

ClinVar aggregate classification (germline): Uncertain significance. Review status: criteria provided, multiple submitters, no conflicts (2 of 4 stars). 2 submissions from 2 submitters: Uncertain significance (2). Last evaluated 2019-12-09.

Conditions:
Brugada syndrome. Also called: Sudden unexpected nocturnal death syndrome; Sudden unexplained nocturnal death syndrome; Sudden Unexplained Death Syndrome; Sudden Unexplained Nocturnal Death Syndrome (SUNDS). Identifiers: Orphanet 130, MedGen C1142166, MONDO:0015263.

Submissions (2):

Labcorp Genetics (formerly Invitae), Labcorp
Classification: Uncertain significance for Brugada syndrome. Last evaluated: 2019-12-09. Review status: criteria provided, single submitter. Criteria: Invitae Variant Classification Sherloc (09022015). Collection method: clinical testing. Allele origin: germline.
Comment: This sequence change replaces proline with leucine at codon 72 of the GPD1L protein (p.Pro72Leu). The proline residue is highly conserved and there is a moderate physicochemical difference between proline and leucine. This variant is not present in population databases (ExAC no frequency). This variant has not been reported in the literature in individuals with GPD1L-related conditions. ClinVar contains an entry for this variant (Variation ID: 632847). Algorithms developed to predict the effect of missense changes on protein structure and function are either unavailable or do not agree on the potential impact of this missense change (SIFT: "Deleterious"; PolyPhen-2: "Probably Damaging"; Align-GVGD: "Class C0"). In summary, the available evidence is currently insufficient to determine the role of this variant in disease. Therefore, it has been classified as a Variant of Uncertain Significance.

Women's Health and Genetics/Laboratory Corporation of America, LabCorp
Classification: Uncertain significance. Last evaluated: 2018-03-26. Review status: criteria provided, single submitter. Criteria: LabCorp Variant Classification Summary - May 2015. Collection method: clinical testing. Allele origin: germline.
Comment: Variant summary: GPD1L c.215C>T (p.Pro72Leu) results in a non-conservative amino acid change located in the Glycerol-3-phosphate dehydrogenase, NAD-dependent, C-terminal domain of the encoded protein sequence. Five of five in-silico tools predict a damaging effect of the variant on protein function. The variant was absent in 245276 control chromosomes. The available data on variant occurrences in the general population are insufficient to allow any conclusion about variant significance. To our knowledge, no occurrence of c.215C>T in individuals affected with Arrhythmia and no experimental evidence demonstrating its impact on protein function have been reported. No clinical diagnostic laboratories have submitted clinical-significance assessments for this variant to ClinVar after 2014. Based on the evidence outlined above, the variant was classified as uncertain significance.